The following is an entry in ClinVar:

NM_018238.4(AGK):c.445A>G (p.Ile149Val)

Gene: AGK (acylglycerol kinase; plus strand). Cytogenetic location: 7q34.
Variant type: single nucleotide variant.
Coding change: c.445A>G on transcript NM_018238.4 (MANE Select); coding-DNA position 445, A replaced by G.
Protein change: p.Ile149Val; replaces isoleucine 149 with valine.
Molecular consequence: missense variant.
Genome position (GRCh38, 1-based): chr7:141,615,492, A>G. VCF-style: chr7-141615492-A-G. GRCh37 (hg19) VCF-style: chr7-141315292-A-G.
Other names: c.445A>G, p.Ile149Val (NM_001364948.3); short protein forms I149V.
Identifiers: ClinVar variation 1198422 (VCV001198422.7), dbSNP rs113986866, ClinGen allele CA4517466.

ClinVar aggregate classification (germline): Uncertain significance. Review status: criteria provided, multiple submitters, no conflicts (2 of 4 stars). 3 submissions from 3 submitters: Uncertain significance (3). Last evaluated 2024-12-17.

Conditions:
Cataract 38. Also called: Cataract, autosomal recessive congenital 5; Cataract 38, autosomal recessive. Identifiers: Orphanet 91492, MedGen C3553494, MONDO:0013859, OMIM 614691.
Sengers syndrome. Also called: MITOCHONDRIAL DNA DEPLETION SYNDROME 10 (CARDIOMYOPATHIC TYPE); Cardiomyopathy and cataract. Identifiers: Orphanet 1369, MedGen C1859317, MONDO:0008922, OMIM 212350.
Inborn genetic diseases. Identifiers: MedGen C0950123, MeSH D030342.

Allele frequency attached by ClinVar (database versions not stated): gnomAD exomes 0.00002 and 0.00004; ExAC 0.00003; TOPMed 0.00007; gnomAD 0.00009; ESP Exome Variant Server 0.00023.
gnomAD v4.1: 68 of 1,613,640 alleles (0.0042%); highest among the groups gnomAD compares: African/African-American, 0.019%; no homozygotes.

Submissions (3):

Labcorp Genetics (formerly Invitae), Labcorp
Classification: Uncertain significance for Sengers syndrome; Cataract 38. Last evaluated: 2024-12-17. Review status: criteria provided, single submitter. Criteria: Invitae Variant Classification Sherloc (09022015). Collection method: clinical testing. Allele origin: germline.
Comment: This sequence change replaces isoleucine, which is neutral and non-polar, with valine, which is neutral and non-polar, at codon 149 of the AGK protein (p.Ile149Val). This variant is present in population databases (rs113986866, gnomAD 0.008%). This variant has not been reported in the literature in individuals affected with AGK-related conditions. ClinVar contains an entry for this variant (Variation ID: 1198422). Invitae Evidence Modeling of protein sequence and biophysical properties (such as structural, functional, and spatial information, amino acid conservation, physicochemical variation, residue mobility, and thermodynamic stability) indicates that this missense variant is not expected to disrupt AGK protein function with a negative predictive value of 80%. In summary, the available evidence is currently insufficient to determine the role of this variant in disease. Therefore, it has been classified as a Variant of Uncertain Significance.

Ambry Genetics
Classification: Uncertain significance for Inborn genetic diseases. Last evaluated: 2023-03-20. Review status: criteria provided, single submitter. Criteria: Ambry Variant Classification Scheme 2023. Collection method: clinical testing. Allele origin: germline.

GeneDx
Classification: Uncertain significance. Last evaluated: 2020-10-08. Review status: criteria provided, single submitter. Criteria: GeneDx Variant Classification Process June 2021. Collection method: clinical testing. Allele origin: germline. Affected: yes.
Comment: Not observed at a significant frequency in large population cohorts (Lek et al., 2016); In silico analysis supports that this missense variant does not alter protein structure/function; Has not been previously published as pathogenic or benign to our knowledge